The following is an entry in ClinVar:

NM_000512.5(GALNS):c.763G>A (p.Gly255Arg)

Gene: GALNS (galactosamine (N-acetyl)-6-sulfatase; minus strand). Cytogenetic location: 16q24.3.
Variant type: single nucleotide variant.
Coding change: c.763G>A on transcript NM_000512.5 (MANE Select); coding-DNA position 763, G replaced by A.
Protein change: p.Gly255Arg; replaces glycine 255 with arginine.
Molecular consequence: missense variant.
Genome position (GRCh38, 1-based): chr16:88,835,348, C>T on the plus strand (G>A on the coding strand, the complement: GALNS is on the minus strand). VCF-style: chr16-88835348-C-T. GRCh37 (hg19) VCF-style: chr16-88901756-C-T.
Other names: c.208G>A, p.Gly70Arg (NM_001323543.2); c.781G>A, p.Gly261Arg (NM_001323544.2); short protein forms G255R, G261R, G70R.
Identifiers: ClinVar variation 1048301 (VCV001048301.3), dbSNP rs1336648211, ClinGen allele CA397079134.

ClinVar aggregate classification (germline): Uncertain significance (1 of 4 stars; one submission).

Conditions:
Mucopolysaccharidosis, MPS-IV-A (MPS4A). Also called: Mucopolysaccharidosis type IV A; Mucopolysaccharidosis Type IVA; Morquio syndrome A, mild; MORQUIO SYNDROME A; MPS IVA; mucopolysaccharidosis type 4A. Identifiers: Orphanet 309297, Orphanet 582, MedGen C0086651, MONDO:0009659, OMIM 253000.

Allele frequency attached by ClinVar (database versions not stated): gnomAD 0.00001.
gnomAD v4.1: 1 of 1,613,502 alleles (0.000062%); highest among the groups gnomAD compares: African/African-American, 0.0013%; no homozygotes.

Submission:

Laboratory of Diagnosis and Therapy of Lysosomal Disorders, University of Padova
Classification: Uncertain significance for Mucopolysaccharidosis, MPS-IV-A. Last evaluated: 2021-02-01. Review status: criteria provided, single submitter. Criteria: ACMG Guidelines, 2015. Collection method: research. Allele origin: germline. Affected: yes.
Comment: Very low frequency in gnomAD v2.1.1 (PM2_moderate); multiple lines of computational evidence support a deleterious effect on the gene (PP3_supporting)

Literature cited by the submitters: PubMed 34387910.